The following is an entry in ClinVar:

NM_032495.6(HOPX):c.167C>T (p.Ala56Val)

Gene: HOPX (HOP homeobox; minus strand). Cytogenetic location: 4q12.
Variant type: single nucleotide variant.
Coding change: c.167C>T on transcript NM_032495.6 (MANE Select); coding-DNA position 167, C replaced by T.
Protein change: p.Ala56Val; replaces alanine 56 with valine.
Molecular consequence: missense variant.
Genome position (GRCh38, 1-based): chr4:56,655,888, G>A on the plus strand (C>T on the coding strand, the complement: HOPX is on the minus strand). VCF-style: chr4-56655888-G-A. GRCh37 (hg19) VCF-style: chr4-57522054-G-A.
Other names: c.113C>T, p.Ala38Val (NM_001145459.2, NM_139211.5, NM_139212.4); c.167C>T, p.Ala56Val (NM_001145460.2); short protein forms A56V, A38V.
Identifiers: ClinVar variation 496485 (VCV000496485.1), dbSNP rs752905777, ClinGen allele CA2931858.

ClinVar aggregate classification (germline): Likely benign (1 of 4 stars; one submission).

Allele frequency attached by ClinVar (database versions not stated): gnomAD exomes 0.00001 and 0.00004; TOPMed 0.00001; ExAC 0.00003.
gnomAD v4.1: 11 of 1,611,934 alleles (0.00068%); highest among the groups gnomAD compares: Admixed American, 0.01%; no homozygotes.

Submission:

Women's Health and Genetics/Laboratory Corporation of America, LabCorp
Classification: Likely benign. Last evaluated: 2017-08-24. Review status: criteria provided, single submitter. Criteria: LabCorp Variant Classification Summary - May 2015. Collection method: clinical testing. Allele origin: germline.
Comment: Variant summary: The HOPX c.167C>T (p.Ala56Val) variant causes a missense change involving the alteration of a conserved nucleotide. 4/4 in silico tools predict a damaging outcome for this variant (SNPsandGO not captured due to low reliability index). This variant was found in 3/104066 control chromosomes at a frequency of 0.0000288, which is approximately equivalent to the estimated maximal expected allele frequency of a pathogenic HOPX variant (0.000025), suggesting this variant is likely a benign polymorphism. The variant of interest has not, to our knowledge, been reported in affected individuals via publications and/or reputable databases/clinical diagnostic laboratories; nor evaluated for functional impact by in vivo/vitro studies. Taken together, this variant is classified as likely benign.